The following is an entry in ClinVar:

ClinVar aggregate classification (germline): Uncertain significance (1 of 4 stars; one submission).

Submission:

Labcorp Genetics (formerly Invitae), Labcorp
Classification: Uncertain significance. Last evaluated: 2025-11-01. Review status: criteria provided, single submitter. Criteria: Invitae Variant Classification Sherloc (09022015). Collection method: clinical testing. Allele origin: germline.
Comment: This variant, c.1004_1045dup, results in the insertion of 14 amino acid(s) of the ARID1B protein (p.Gly335_Ala348dup), but otherwise preserves the integrity of the reading frame. The frequency data for this variant in the population databases is considered unreliable, as metrics indicate insufficient coverage at this position in the gnomAD database. This variant has not been reported in the literature in individuals affected with ARID1B-related conditions. In summary, the available evidence is currently insufficient to determine the role of this variant in disease. Therefore, it has been classified as a Variant of Uncertain Significance.

NM_001374828.1(ARID1B):c.1253_1294dup (p.Ala431_Ala432insGlyAlaGlyAlaValAlaAlaAlaAlaAlaAlaAlaAlaAla)

Gene: ARID1B (AT-rich interaction domain 1B; plus strand). Cytogenetic location: 6q25.3.
Variant type: Duplication.
Coding change: c.1253_1294dup on transcript NM_001374828.1 (MANE Select); coding-DNA positions 1253 to 1294, 42 bases duplicated.
Protein change: p.Ala431_Ala432insGlyAlaGlyAlaValAlaAlaAlaAlaAlaAlaAlaAlaAla.
Molecular consequence: inframe insertion.
Genome position (GRCh38, 1-based): chr6:156,778,933-156,778,974, 42 bases duplicated; duplicating any 42 consecutive bases within chr6:156,778,929-156,778,974 gives the same sequence; the c. name uses the placement nearest the transcript's 3' end. GRCh37 (hg19): chr6:157,100,067-157,100,108.
Other names: c.1253_1294dup, p.Ala431_Ala432insGlyAlaGlyAlaValAlaAlaAlaAlaAlaAlaAlaAlaAla (NM_001371656.1, NM_001374820.1, NM_001438482.1 and 9 more transcripts).
Identifiers: ClinVar variation 4738273 (VCV004738273.1).